The following is an entry in ClinVar:

ClinVar aggregate classification (germline): Likely benign (1 of 4 stars; one submission).

Conditions:
Spinocerebellar ataxia, autosomal recessive 28. Identifiers: MedGen C5394101, MONDO:0032923, OMIM 618800.

Submission:

Centre for Medical Genetics,  Mumbai
Classification: Likely benign for Spinocerebellar ataxia, autosomal recessive 28. Last evaluated: 2026-02-12. Review status: criteria provided, single submitter. Criteria: ACMG Guidelines, 2015. Collection method: provider interpretation. Allele origin: germline. Inheritance: Autosomal recessive inheritance. Affected: no. Observed: 1 homozygote.
Comment: The variant satisfies PM2 criteria; Extremely low frequency in gnomAD population databases. However, the variant satisfies BS2 criteria.

Literature cited by the submitters: PubMed 27307223.

NM_017872.5(THG1L):c.187C>A (p.His63Asn)

Genes: THG1L (tRNA-histidine guanylyltransferase 1 like; plus strand), LOC129995144 (ATAC-STARR-seq lymphoblastoid active region 23531; plus strand). Cytogenetic location: 5q33.3.
Variant type: single nucleotide variant.
Coding change: c.187C>A on transcript NM_017872.5 (MANE Select); coding-DNA position 187, C replaced by A.
Protein change: p.His63Asn; replaces histidine 63 with asparagine.
Molecular consequence: missense variant. On other transcripts: 5 prime UTR variant (2).
Genome position (GRCh38, 1-based): chr5:157,731,627, C>A. VCF-style: chr5-157731627-C-A. GRCh37 (hg19) VCF-style: chr5-157158635-C-A.
Other names: c.-115C>A (NM_001317824.2); c.-185C>A (NM_001317825.2); short protein forms H63N.
Identifiers: ClinVar variation 4759446 (VCV004759446.1).